The following is an entry in ClinVar:

NM_001369.3(DNAH5):c.13544dup (p.Asn4515fs)

Gene: DNAH5 (dynein axonemal heavy chain 5; minus strand). Cytogenetic location: 5p15.2.
Variant type: Duplication.
Coding change: c.13544dup on transcript NM_001369.3 (MANE Select); coding-DNA position 13544, one base duplicated (A; older notation c.13544dupA).
Protein change: p.Asn4515fs; shifts the reading frame from asparagine 4515.
Molecular consequence: frameshift variant.
Genome position (GRCh38, 1-based): chr5:13,700,819, T duplicated on the plus strand (A on the coding strand, the reverse complement: DNAH5 is on the minus strand); the first of 2 consecutive T bases (chr5:13,700,819-13,700,820); duplicating either gives the same sequence. VCF-style (leftmost placement, unchanged base first): chr5-13700818-A-AT. GRCh37 (hg19) VCF-style: chr5-13700927-A-AT.
Other names: short protein forms N4515fs.
Identifiers: ClinVar variation 1453064 (VCV001453064.6), dbSNP rs2126405266, ClinGen allele CA2573138429.

ClinVar aggregate classification (germline): Pathogenic (1 of 4 stars; one submission).

Conditions:
Primary ciliary dyskinesia. Also called: Ciliary dyskinesia. Identifiers: Orphanet 244, MedGen C0008780, MONDO:0016575, HP:0012265.

Submission:

Labcorp Genetics (formerly Invitae), Labcorp
Classification: Pathogenic for Primary ciliary dyskinesia. Last evaluated: 2021-10-19. Review status: criteria provided, single submitter. Criteria: Invitae Variant Classification Sherloc (09022015). Collection method: clinical testing. Allele origin: germline.
Comment: This variant has not been reported in the literature in individuals affected with DNAH5-related conditions. For these reasons, this variant has been classified as Pathogenic. This variant is not present in population databases (ExAC no frequency). This sequence change creates a premature translational stop signal (p.Asn4515Lysfs*2) in the DNAH5 gene. It is expected to result in an absent or disrupted protein product. Loss-of-function variants in DNAH5 are known to be pathogenic (PMID: 11788826, 16627867).

Literature cited by the submitters: PubMed 11788826; PubMed 16627867.